The following is an entry in ClinVar:

NM_006096.4(NDRG1):c.403A>G (p.Ile135Val)

Gene: NDRG1 (N-myc downstream regulated 1; minus strand). Cytogenetic location: 8q24.22.
Variant type: single nucleotide variant.
Coding change: c.403A>G on transcript NM_006096.4 (MANE Select); coding-DNA position 403, A replaced by G.
Protein change: p.Ile135Val; replaces isoleucine 135 with valine.
Molecular consequence: missense variant.
Genome position (GRCh38, 1-based): chr8:133,258,413, T>C on the plus strand (A>G on the coding strand, the complement: NDRG1 is on the minus strand). VCF-style: chr8-133258413-T-C. GRCh37 (hg19) VCF-style: chr8-134270656-T-C.
Other names: c.403A>G, p.Ile135Val (NM_001135242.2, NM_001374844.1, NM_001374845.1 and 1 more transcripts); c.205A>G, p.Ile69Val (NM_001258432.2, NM_001374847.1); c.160A>G, p.Ile54Val (NM_001258433.2); short protein forms I135V, I54V, I69V.
Identifiers: ClinVar variation 700182 (VCV000700182.16), dbSNP rs202118022, ClinGen allele CA4886762.

ClinVar aggregate classification (germline): Conflicting classifications of pathogenicity. Review status: criteria provided, conflicting classifications (1 of 4 stars). 5 submissions from 5 submitters: Uncertain significance (1); Likely benign (3). 1 of the submissions does not count toward it. Last evaluated 2025-08-27.

Conditions:
Inborn genetic diseases. Identifiers: MedGen C0950123, MeSH D030342.
Charcot-Marie-Tooth disease type 4. Also called: Charcot-Marie-Tooth disease, type IV; Charcot-Marie-Tooth, Type 4. Identifiers: Orphanet 64749, MedGen C4082197, MONDO:0018995.
Charcot-Marie-Tooth disease. Also called: Charcot-Marie-Tooth Hereditary Neuropathy; Charcot-Marie-Tooth Neuropathy. Identifiers: Orphanet 166, MedGen C0007959, MONDO:0015626.
Charcot-Marie-Tooth disease type 4D. Also called: CHARCOT-MARIE-TOOTH DISEASE, DEMYELINATING, TYPE 4D; Charcot-Marie-Tooth Neuropathy Type 4D; NEUROPATHY, HEREDITARY MOTOR AND SENSORY, LOM TYPE; CHARCOT-MARIE-TOOTH DISEASE, DEMYELINATING, AUTOSOMAL RECESSIVE, TYPE 4D. Identifiers: Orphanet 99950, MedGen C1832334, MONDO:0011085, OMIM 601455.
NDRG1-related disorder. Also called: NDRG1-related condition.

Allele frequency attached by ClinVar (database versions not stated): gnomAD exomes 0.00005 and 0.00026; gnomAD 0.00007 and 0.00012; TOPMed 0.00014; ExAC 0.00032; 1000 Genomes Project 30x 0.00094; 1000 Genomes Project 0.00100.
gnomAD v4.1: 90 of 1,611,576 alleles (0.0056%); highest among the groups gnomAD compares: East Asian, 0.17%; 1 homozygote.

Submissions (5):

PreventionGenetics, part of Exact Sciences
Classification: Likely benign for NDRG1-related condition. Last evaluated: 2025-08-27. Review status: criteria provided, single submitter. Criteria: ACMG Guidelines, 2015. Collection method: clinical testing. Allele origin: germline.
Comment: This variant is classified as likely benign based on ACMG/AMP sequence variant interpretation guidelines (Richards et al. 2015 PMID: 25741868, with internal and published modifications).

Labcorp Genetics (formerly Invitae), Labcorp
Classification: Likely benign for Charcot-Marie-Tooth disease type 4. Last evaluated: 2025-01-06. Review status: criteria provided, single submitter. Criteria: Invitae Variant Classification Sherloc (09022015). Collection method: clinical testing. Allele origin: germline.

Ambry Genetics
Classification: Likely benign for Inborn genetic diseases. Last evaluated: 2020-12-23. Review status: criteria provided, single submitter. Criteria: Ambry Variant Classification Scheme 2023. Collection method: clinical testing. Allele origin: germline.

Molecular Genetics Laboratory, London Health Sciences Centre
Classification: Uncertain significance for Charcot-Marie-Tooth disease. Review status: criteria provided, single submitter. Criteria: ACMG Guidelines, 2015. Collection method: clinical testing. Allele origin: germline. Affected: yes.

Natera, Inc.
Classification: Uncertain significance for Charcot-Marie-Tooth disease type 4D. Last evaluated: 2019-11-11. Review status: no assertion criteria provided. Collection method: clinical testing. Allele origin: germline. Not counted in ClinVar's aggregate classification.